The following is an entry in ClinVar:

NM_181078.3(IL21R):c.1489T>C (p.Ser497Pro)

Genes: IL21R (interleukin 21 receptor; plus strand), IL21R-AS1 (IL21R antisense RNA 1; minus strand), LOC130058713 (ATAC-STARR-seq lymphoblastoid active region 10627; plus strand). Cytogenetic location: 16p12.1.
Variant type: single nucleotide variant.
Coding change: c.1489T>C on transcript NM_181078.3 (MANE Select); coding-DNA position 1489, T replaced by C.
Protein change: p.Ser497Pro; replaces serine 497 with proline.
Molecular consequence: missense variant. On other transcripts: non-coding transcript variant (1).
Genome position (GRCh38, 1-based): chr16:27,449,155, T>C. VCF-style: chr16-27449155-T-C. GRCh37 (hg19) VCF-style: chr16-27460476-T-C.
Other names: c.1489T>C, p.Ser497Pro (NM_021798.4); c.1555T>C, p.Ser519Pro (NM_181079.5); short protein forms S497P, S519P.
Identifiers: ClinVar variation 577161 (VCV000577161.7), dbSNP rs1567375303, ClinGen allele CA395308983.

ClinVar aggregate classification (germline): Uncertain significance (1 of 4 stars; one submission).

Conditions:
Cryptosporidiosis-chronic cholangitis-liver disease syndrome. Also called: Immunodeficiency type 56; IL21R immunodeficiency. Identifiers: Orphanet 357329, MedGen C3554687, MONDO:0014082, OMIM 615207.

Submission:

Labcorp Genetics (formerly Invitae), Labcorp
Classification: Uncertain significance for Cryptosporidiosis-chronic cholangitis-liver disease syndrome. Last evaluated: 2022-12-06. Review status: criteria provided, single submitter. Criteria: Invitae Variant Classification Sherloc (09022015). Collection method: clinical testing. Allele origin: germline.
Comment: This sequence change replaces serine, which is neutral and polar, with proline, which is neutral and non-polar, at codon 497 of the IL21R protein (p.Ser497Pro). Algorithms developed to predict the effect of missense changes on protein structure and function are either unavailable or do not agree on the potential impact of this missense change (SIFT: "Tolerated"; PolyPhen-2: "Probably Damaging"; Align-GVGD: "Class C0"). ClinVar contains an entry for this variant (Variation ID: 577161). This variant has not been reported in the literature in individuals affected with IL21R-related conditions. This variant is not present in population databases (gnomAD no frequency). In summary, the available evidence is currently insufficient to determine the role of this variant in disease. Therefore, it has been classified as a Variant of Uncertain Significance.